The following is an entry in ClinVar:

NM_000023.4(SGCA):c.860_861insTTTCTT (p.Phe286_Leu287insPhePhe)

Gene: SGCA (sarcoglycan alpha; plus strand). Cytogenetic location: 17q21.33.
Variant type: Insertion.
Coding change: c.860_861insTTTCTT on transcript NM_000023.4 (MANE Select); coding-DNA positions 860 to 861, TTTCTT inserted.
Protein change: p.Phe286_Leu287insPhePhe.
Molecular consequence: inframe insertion. On other transcripts: intron variant (1).
Genome position: GRCh38 VCF-style: chr17-50170250-C-CTTCTTT. GRCh37 (hg19) VCF-style: chr17-48247611-C-CTTCTTT.
Other names: c.585-385_585-384insTTTCTT (NM_001135697.3).
Identifiers: ClinVar variation 5004139 (VCV005004139.1).
Genomic context (GRCh38, chr17:50,170,250, plus strand): 5'-TGATGGGATCCTGGAGCATGACCCGTTCTTCTGCCCACCCACTGAGGCCCCAGACCGTGA[C>CTTCTTT]TTCTTGGTGGATGCTCTGGTCACCCTCCTGGTGCCCCTGCTGGTGGCCCTGCTTCTCACC-3'

ClinVar aggregate classification (germline): Uncertain significance (1 of 4 stars; one submission).

Conditions:
Autosomal recessive limb-girdle muscular dystrophy type 2D (LGMDR3). Also called: MUSCULAR DYSTROPHY, LIMB-GIRDLE, AUTOSOMAL RECESSIVE 3; DUCHENNE-LIKE AUTOSOMAL RECESSIVE MUSCULAR DYSTROPHY, TYPE 2; ADHALINOPATHY, PRIMARY. Identifiers: Orphanet 62, MedGen C2936332, MONDO:0011968, OMIM 608099. Disease mechanism: Affects gamma-sarcoglycan and also disrupts the integrity of the entire sarcoglycan complex..

Submission:

Myriad Genetics, Inc.
Classification: Uncertain significance for Autosomal recessive limb-girdle muscular dystrophy type 2D. Last evaluated: 2025-08-27. Review status: criteria provided, single submitter. Criteria: Myriad Autosomal Dominant, Autosomal Recessive and X-Linked Classification Criteria (2023). Collection method: clinical testing. Allele origin: unknown.
Comment: NM_000023.2(SGCA):c.860_861ins6(F286_L287insFF) is an in-frame insertion classified as a variant of uncertain significance in the context of alpha-sarcoglycanopathy. F286_L287insFF has not been observed in cases with relevant disease. Relevant functional assessments of this variant are not available in the literature. F286_L287insFF has not been observed in referenced population frequency databases. In summary, there is insufficient evidence to classify NM_000023.2(SGCA):c.860_861ins6(F286_L287insFF) as pathogenic or benign. Please note: this variant was assessed in the context of healthy population screening.